The following is an entry in ClinVar:

NM_000466.3(PEX1):c.3176T>C (p.Leu1059Ser)

Genes: GATAD1 (GATA zinc finger domain containing 1; plus strand), PEX1 (peroxisomal biogenesis factor 1; minus strand). Cytogenetic location: 7q21.2.
Variant type: single nucleotide variant.
Coding change: c.3176T>C on transcript NM_000466.3 (MANE Select); coding-DNA position 3176, T replaced by C.
Protein change: p.Leu1059Ser; replaces leucine 1059 with serine.
Molecular consequence: missense variant.
Genome position (GRCh38, 1-based): chr7:92,492,984, A>G on the plus strand (T>C on the coding strand, the complement: PEX1 is on the minus strand). VCF-style: chr7-92492984-A-G. GRCh37 (hg19) VCF-style: chr7-92122298-A-G.
Other names: c.3005T>C, p.Leu1002Ser (NM_001282677.2); c.2552T>C, p.Leu851Ser (NM_001282678.2); short protein forms L1002S, L1059S, L851S.
Identifiers: ClinVar variation 2120746 (VCV002120746.4), dbSNP rs2484628549, ClinGen allele CA368166107.

ClinVar aggregate classification (germline): Uncertain significance (1 of 4 stars; one submission).

Conditions:
Zellweger spectrum disorders (ZS). Also called: Zellweger Spectrum Disorder; Zellweger Spectrum; Zellweger Spectrum Disorder (ZSD); Zellweger syndrome. Identifiers: Orphanet 912, MedGen C0043459, MONDO:0019609.

Allele frequency attached by ClinVar (database versions not stated): gnomAD exomes below 0.00001.
gnomAD v4.1: 1 of 1,613,766 alleles (0.000062%); highest among the groups gnomAD compares: Admixed American, 0.0017%; no homozygotes.

Submission:

Labcorp Genetics (formerly Invitae), Labcorp
Classification: Uncertain significance for Zellweger spectrum disorders. Last evaluated: 2022-04-25. Review status: criteria provided, single submitter. Criteria: Invitae Variant Classification Sherloc (09022015). Collection method: clinical testing. Allele origin: germline.
Comment: In summary, the available evidence is currently insufficient to determine the role of this variant in disease. Therefore, it has been classified as a Variant of Uncertain Significance. Advanced modeling of protein sequence and biophysical properties (such as structural, functional, and spatial information, amino acid conservation, physicochemical variation, residue mobility, and thermodynamic stability) performed at Invitae indicates that this missense variant is not expected to disrupt PEX1 protein function. This variant has not been reported in the literature in individuals affected with PEX1-related conditions. This variant is not present in population databases (gnomAD no frequency). This sequence change replaces leucine, which is neutral and non-polar, with serine, which is neutral and polar, at codon 1059 of the PEX1 protein (p.Leu1059Ser).